The following is an entry in ClinVar:

ClinVar aggregate classification (germline): Pathogenic (1 of 4 stars; one submission).

Submission:

GeneDx
Classification: Pathogenic. Last evaluated: 2019-01-15. Review status: criteria provided, single submitter. Criteria: GeneDx Variant Classification (06012015). Collection method: clinical testing. Allele origin: germline. Affected: yes.
Comment: The c.247_251delTACAA pathogenic variant in the NSUN2 gene causes a frameshift starting with codon Tyrosine 83, changes this amino acid to a Lysine residue and creates a premature Stop codon at position 16 of the new reading frame, denoted p.Tyr83LysfsX16. This pathogenic variant is predicted to cause loss of normal protein function either through protein truncation or nonsense-mediated mRNA decay. The c.247_251delTACAA variant is not observed in large population cohorts (Lek et al., 2016). Although this pathogenic variant has not been previously reported to our knowledge, its presence is consistent with the diagnosis of a NSUN2-related disorder in this individual.

NM_017755.6(NSUN2):c.247_251del (p.Tyr83fs)

Gene: NSUN2 (NOP2/Sun RNA methyltransferase 2; minus strand). Cytogenetic location: 5p15.31.
Variant type: Deletion.
Coding change: c.247_251del on transcript NM_017755.6 (MANE Select); coding-DNA positions 247 to 251, 5 bases deleted (TACAA; older notation c.247_251delTACAA).
Protein change: p.Tyr83fs; shifts the reading frame from tyrosine 83.
Molecular consequence: frameshift variant. On other transcripts: non-coding transcript variant (1).
Genome position (GRCh38, 1-based): chr5:6,632,602-6,632,606, TTGTA deleted on the plus strand (TACAA on the coding strand, the reverse complement: NSUN2 is on the minus strand). VCF-style (leftmost placement, unchanged base first): chr5-6632601-TTTGTA-T. GRCh37 (hg19) VCF-style: chr5-6632714-TTTGTA-T.
Other names: c.247_251del, p.Tyr83fs (NM_001193455.2); short protein forms Y83fs.
Identifiers: ClinVar variation 817983 (VCV000817983.1), dbSNP rs1579385837, ClinGen allele CA915943286.
Genomic context (GRCh38, chr5:6,632,601, plus strand): 5'-CCTTTAACCTCCAGCATCCTGGCCCCAACTCCCAAAAAATCAGGCACTGCCTCCCTACCT[TTTGTA>T]ACCAGTAATTCTTAAAGTGGCCGGGAGCGGCTCCCTGAGAGCGTCCATGAACTGGCCCCA-3'